The following is an entry in ClinVar:

NM_002693.3(POLG):c.3104A>G (p.Lys1035Arg)

Gene: POLG (DNA polymerase gamma, catalytic subunit; minus strand). Cytogenetic location: 15q26.1.
Variant type: single nucleotide variant.
Coding change: c.3104A>G on transcript NM_002693.3 (MANE Select); coding-DNA position 3104, A replaced by G.
Protein change: p.Lys1035Arg; replaces lysine 1035 with arginine.
Molecular consequence: missense variant.
Genome position (GRCh38, 1-based): chr15:89,319,228, T>C on the plus strand (A>G on the coding strand, the complement: POLG is on the minus strand). VCF-style: chr15-89319228-T-C. GRCh37 (hg19) VCF-style: chr15-89862459-T-C.
Other names: c.3104A>G, p.Lys1035Arg (NM_001126131.2); short protein forms K1035R.
Identifiers: ClinVar variation 2120242 (VCV002120242.4), dbSNP rs2509209815, ClinGen allele CA393751245.

ClinVar aggregate classification (germline): Uncertain significance (1 of 4 stars; one submission).

Conditions:
Progressive sclerosing poliodystrophy (MTDPS4A). Also called: Mitochondrial DNA Depletion Syndrome 4A; Alpers-Huttenlocher Syndrome (AHS); ALPERS PROGRESSIVE INFANTILE POLIODYSTROPHY; NEURONAL DEGENERATION OF CHILDHOOD WITH LIVER DISEASE, PROGRESSIVE; Mitochondrial DNA depletion syndrome 4A (Alpers type); Alpers Syndrome. Identifiers: Orphanet 726, MedGen C0205710, MONDO:0008758, OMIM 203700.

Allele frequency attached by ClinVar (database versions not stated): gnomAD exomes below 0.00001.

Submission:

Labcorp Genetics (formerly Invitae), Labcorp
Classification: Uncertain significance for Progressive sclerosing poliodystrophy. Last evaluated: 2022-04-01. Review status: criteria provided, single submitter. Criteria: Invitae Variant Classification Sherloc (09022015). Collection method: clinical testing. Allele origin: germline.
Comment: In summary, the available evidence is currently insufficient to determine the role of this variant in disease. Therefore, it has been classified as a Variant of Uncertain Significance. Algorithms developed to predict the effect of missense changes on protein structure and function output the following: SIFT: "Tolerated"; PolyPhen-2: "Benign"; Align-GVGD: "Class C0". The arginine amino acid residue is found in multiple mammalian species, which suggests that this missense change does not adversely affect protein function. This variant has not been reported in the literature in individuals affected with POLG-related conditions. This variant is not present in population databases (gnomAD no frequency). This sequence change replaces lysine, which is basic and polar, with arginine, which is basic and polar, at codon 1035 of the POLG protein (p.Lys1035Arg).